The following is an entry in ClinVar:

NM_001148.6(ANK2):c.7106T>G (p.Val2369Gly)

Genes: ANK2 (ankyrin 2; plus strand), LOC126807137 (CDK7 strongly-dependent group 2 enhancer GRCh37_chr4:114276560-114277759; plus strand). Cytogenetic location: 4q26.
Variant type: single nucleotide variant.
Coding change: c.7106T>G on transcript NM_001148.6 (MANE Select); coding-DNA position 7106, T replaced by G.
Protein change: p.Val2369Gly; replaces valine 2369 with glycine.
Molecular consequence: missense variant. On other transcripts: intron variant (68).
Genome position (GRCh38, 1-based): chr4:113,355,724, T>G. VCF-style: chr4-113355724-T-G. GRCh37 (hg19) VCF-style: chr4-114276880-T-G.
Other names: c.3944-5099T>G (NM_001386158.1); c.4472-5099T>G (NM_001354241.2, NM_001386144.1, NM_001354240.2); c.4439-5099T>G (NM_001354225.2); c.4424-5099T>G (NM_001354235.2, NM_001354246.2, NM_001354265.2); c.4325-5099T>G (NM_001354236.2); c.4463-5099T>G (NM_001354232.2); c.4328-5099T>G (NM_001354228.2, NM_001354258.2); c.4265-5099T>G (NM_001354245.2, NM_001354262.2, NM_001354275.2); and 35 more; short protein forms V2369G, V1169G, V2291G, V2408G, V2416G.
Identifiers: ClinVar variation 659321 (VCV000659321.10), dbSNP rs28377576, ClinGen allele CA103814919.
Genomic context (GRCh38, chr4:113,355,724, plus strand): 5'-GTGATGAAGGTCAACGTACCTTTGGTAGTTCAGCCCACAAGACACAAACTGATAGTGAGG[T>G]TCAAGAATCCACAGCCACCTCAGACGAGACAAAGGCCTTGCCGCTGCCTGAGGCTTCTGT-3'
Protein context (NP_001139.3, residues 2359-2379): SAHKTQTDSE[Val2369Gly]QESTATSDET

ClinVar aggregate classification (germline): Conflicting classifications of pathogenicity. Review status: criteria provided, conflicting classifications (1 of 4 stars). 4 submissions from 4 submitters: Uncertain significance (3); Likely benign (1). Last evaluated 2025-10-31.

Conditions:
Cardiovascular phenotype. Identifiers: MedGen CN230736.
Long QT syndrome (LQTS). Identifiers: MedGen C0023976, MeSH D008133, MONDO:0002442. Disease mechanism: loss of function. Inheritance: Various modes of inheritance.
Cardiac arrhythmia, ankyrin-B-related. Also called: ANKYRIN-B SYNDROME. Identifiers: Orphanet 101016, Orphanet 768, MedGen C1970119, MONDO:0010958, OMIM 600919.

gnomAD v4.1: 24 of 1,613,524 alleles (0.0015%); highest among the groups gnomAD compares: Non-Finnish European, 0.0019%; no homozygotes.

Submissions (4):

Labcorp Genetics (formerly Invitae), Labcorp
Classification: Uncertain significance for Long QT syndrome. Last evaluated: 2025-10-31. Review status: criteria provided, single submitter. Criteria: Invitae Variant Classification Sherloc (09022015). Collection method: clinical testing. Allele origin: germline.
Comment: This sequence change replaces valine, which is neutral and non-polar, with glycine, which is neutral and non-polar, at codon 2369 of the ANK2 protein (p.Val2369Gly). This variant is present in population databases (no rsID available, gnomAD 0.003%). This variant has not been reported in the literature in individuals affected with ANK2-related conditions. ClinVar contains an entry for this variant (Variation ID: 659321). An algorithm developed to predict the effect of missense changes on protein structure and function (PolyPhen-2) suggests that this variant is likely to be tolerated. In summary, the available evidence is currently insufficient to determine the role of this variant in disease. Therefore, it has been classified as a Variant of Uncertain Significance.

Ambry Genetics
Classification: Likely benign for Cardiovascular phenotype. Last evaluated: 2024-01-23. Review status: criteria provided, single submitter. Criteria: Ambry Variant Classification Scheme 2023. Collection method: clinical testing. Allele origin: germline.

Fulgent Genetics
Classification: Uncertain significance for Cardiac arrhythmia, ankyrin-B-related. Last evaluated: 2021-09-15. Review status: criteria provided, single submitter. Criteria: ACMG Guidelines, 2015. Collection method: clinical testing. Allele origin: unknown.

GeneDx
Classification: Uncertain significance. Last evaluated: 2019-11-07. Review status: criteria provided, single submitter. Criteria: GeneDx Variant Classification Process June 2021. Collection method: clinical testing. Allele origin: germline. Affected: yes.
Comment: Has not been previously published as pathogenic or benign to our knowledge; Reported in ClinVar as a variant of uncertain significance (ClinVar Variant ID# 659321; Landrum et al., 2016); Not observed at a significant frequency in large population cohorts (Lek et al., 2016); In silico analysis, which includes protein predictors and evolutionary conservation, supports that this variant does not alter protein structure/function

Literature cited by the submitters: PubMed 36413997 (cited by Ambry Genetics).